The following is an entry in ClinVar:

ClinVar aggregate classification (germline): Conflicting classifications of pathogenicity. Review status: criteria provided, conflicting classifications (1 of 4 stars). 11 submissions from 11 submitters: Uncertain significance (9); Likely benign (1). 1 of the submissions does not count toward it. Last evaluated 2026-04-28.

Conditions:
Hereditary cancer-predisposing syndrome. Also called: Hereditary Cancer Syndrome; Neoplastic Syndromes, Hereditary; Tumor predisposition; Hereditary neoplastic syndrome. Identifiers: Orphanet 140162, MedGen C0027672, MeSH D009386, MONDO:0015356.
Hereditary breast ovarian cancer syndrome. Also called: Breast and ovarian cancer; BRCA1- and BRCA2-Associated Hereditary Breast and Ovarian Cancer; Hereditary breast and ovarian cancer syndrome; Hereditary breast and ovarian cancer; Hereditary breast and ovarian cancer syndrome (HBOC); Hereditary breast and/or ovarian cancer syndrome. Identifiers: Orphanet 145, MedGen C0677776, MeSH D061325, MONDO:0003582. Disease mechanism: loss of function.
Breast-ovarian cancer, familial, susceptibility to, 2 (BROVCA2). Also called: BRCA2 Hereditary Breast and Ovarian Cancer. Identifiers: Orphanet 145, MedGen C2675520, MONDO:0012933, OMIM 612555. Disease mechanism: loss of function.
Familial cancer of breast. Also called: hereditary breast carcinoma; BREAST CANCER, FAMILIAL; Hereditary breast cancer. Identifiers: Orphanet 227535, MedGen C0346153, MONDO:0016419, OMIM 114480. Disease mechanism: loss of function.
Malignant tumor of breast. Also called: Malignant breast neoplasm; Cancer breast. Identifiers: MedGen C0006142, MONDO:0007254. Disease mechanism: loss of function.

Allele frequency attached by ClinVar (database versions not stated): gnomAD exomes 0.00001.

Submissions (11):

Myriad Genetics, Inc.
Classification: Likely benign for Breast-ovarian cancer, familial, susceptibility to, 2. Last evaluated: 2026-04-28. Review status: criteria provided, single submitter. Criteria: Myriad Autosomal Dominant, Autosomal Recessive and X-Linked Classification Criteria (2023). Collection method: clinical testing. Allele origin: unknown.
Comment: This variant is considered likely benign. This variant is strongly associated with less severe personal and family histories of cancer, typical for individuals without pathogenic variants in this gene [PMID: 25085752].

Labcorp Genetics (formerly Invitae), Labcorp
Classification: Uncertain significance for Hereditary breast ovarian cancer syndrome. Last evaluated: 2025-12-16. Review status: criteria provided, single submitter. Criteria: Invitae Variant Classification Sherloc (09022015). Collection method: clinical testing. Allele origin: germline.
Comment: This variant, c.4141_4143del, results in the deletion of 1 amino acid(s) of the BRCA2 protein (p.Lys1381del), but otherwise preserves the integrity of the reading frame. This variant is not present in population databases (gnomAD no frequency). This variant has not been reported in the literature in individuals affected with BRCA2-related conditions. ClinVar contains an entry for this variant (Variation ID: 141985). Experimental studies and prediction algorithms are not available or were not evaluated, and the functional significance of this variant is currently unknown. In summary, the available evidence is currently insufficient to determine the role of this variant in disease. Therefore, it has been classified as a Variant of Uncertain Significance.

Color Diagnostics, LLC DBA Color Health
Classification: Uncertain significance for Hereditary cancer-predisposing syndrome. Last evaluated: 2025-07-10. Review status: criteria provided, single submitter. Criteria: ACMG Guidelines, 2015. Collection method: clinical testing. Allele origin: germline.
Comment: This variant causes an in-frame deletion of 1 amino acid in exon 11 of the BRCA2 protein. To our knowledge, functional studies have not been reported for this variant. Multifactorial analysis has reached a combined likelihood ratio (LR) of 1.026 based on reported LR for co-occurrence with a pathogenic variant and personal and family history for 1 carrier (PMID: 31131967, 31853058). This variant has not been identified in the general population by the Genome Aggregation Database (gnomAD). The available evidence is insufficient to determine the role of this variant in disease conclusively. Therefore, this variant is classified as a Variant of Uncertain Significance.

Quest Diagnostics Nichols Institute San Juan Capistrano
Classification: Uncertain significance. Last evaluated: 2025-04-30. Review status: criteria provided, single submitter. Criteria: Quest Diagnostics criteria. Collection method: clinical testing. Allele origin: unknown.
Comment: The BRCA2 c.4141_4143del (p.Lys1381del) variant has been reported in the published literature as being likely benign in a multifactorial likelihood study (PMID: 31131967 (2019)). Additionally, an ovarian cancer cell line harboring this variant was reported to be proficient in homologous recombination (HR) (PMID: 38398132 (2024)). This variant has not been reported in large, multi-ethnic general populations (Genome Aggregation Database). Based on the available information, we are unable to determine the clinical significance of this variant.

GeneDx
Classification: Uncertain significance. Last evaluated: 2024-06-13. Review status: criteria provided, single submitter. Criteria: GeneDx Variant Classification Process June 2021. Collection method: clinical testing. Allele origin: germline. Affected: yes.
Comment: In-frame deletion of 1 amino acid in a non-repeat region; In silico analysis supports a deleterious effect on protein structure/function; Published functional study demonstrates proficient homologous recombination (PMID: 38398132); Not observed at significant frequency in large population cohorts (gnomAD); Also known as c.4369_4371delAAA; This variant is associated with the following publications: (PMID: 24094589, 31131967, 38398132)

Ambry Genetics
Classification: Uncertain significance for Hereditary cancer-predisposing syndrome. Last evaluated: 2024-01-17. Review status: criteria provided, single submitter. Criteria: Ambry Variant Classification Scheme 2023. Collection method: clinical testing. Allele origin: germline.
Comment: The c.4141_4143delAAA variant (also known as p.K1381del) is located in coding exon 10 of the BRCA2 gene. This variant results from an in-frame deletion of 3 nucleotides at positions 4141 through 4143. This results in the deletion of a lysine residue at codon 1381. The deleted amino acid position is well conserved in available vertebrate species. In addition, this alteration is predicted to be deleterious by in silico analysis (Choi Y et al. PLoS ONE. 2012; 7(10):e46688). Since supporting evidence is limited at this time, the clinical significance of this alteration remains unclear.

Baylor Genetics
Classification: Uncertain significance for Familial cancer of breast. Last evaluated: 2023-12-24. Review status: criteria provided, single submitter. Criteria: ACMG Guidelines, 2015. Collection method: clinical testing. Allele origin: unknown.

All of Us Research Program, National Institutes of Health
Classification: Uncertain significance for Breast-ovarian cancer, familial, susceptibility to, 2. Last evaluated: 2023-07-10. Review status: criteria provided, single submitter. Criteria: ACMG Guidelines, 2015. Collection method: clinical testing. Allele origin: germline. Inheritance: Autosomal dominant inheritance. Observed: 1 variant allele, 1 heterozygote.
Comment: This variant causes an in-frame deletion of 1 amino acid in exon 11 of the BRCA2 protein. To our knowledge, functional studies have not been reported for this variant. This variant has been reported in a multifactorial analysis with co-occurrence and family history likelihood ratios for pathogenicity of 1.102 and 0.247, respectively (PMID: 31131967). This variant has not been identified in the general population by the Genome Aggregation Database (gnomAD). The available evidence is insufficient to determine the role of this variant in disease conclusively. Therefore, this variant is classified as a Variant of Uncertain Significance.

This study involves interpretation of variants in research participants for the purpose of population health screening. Participant phenotype was not available at the time of variant classification. Additional details can be found in publication PMID: 35346344, PMCID: PMC8962531

Women's Health and Genetics/Laboratory Corporation of America, LabCorp
Classification: Uncertain significance. Last evaluated: 2023-01-23. Review status: criteria provided, single submitter. Criteria: LabCorp Variant Classification Summary - May 2015. Collection method: clinical testing. Allele origin: germline.
Comment: Variant summary: BRCA2 c.4141_4143delAAA (p.Lys1381del) results in an in-frame deletion that is predicted to remove one amino acid from the encoded protein. The variant was absent in 245496 control chromosomes (gnomAD). The available data on variant occurrences in the general population are insufficient to allow any conclusion about variant significance. c.4141_4143delAAA was reported in a hereditary breast cancer patient sample, however, the variant was designated as a false postivie for a different true indel (c.4146_4148delAGA; Bosdet_2013). The variant was also previously identified in a BRCA1/BRCA2 sequencing dataset, however, no genotype-phenotype, co-occurrence, or co-segregation data was provided; in these studies, in silico analyses predicted the variant to be neutral and likely benign (Parsons_2019, Cline_2019, Padilla_2019). These reports do not provide conclusions about association of the variant with Hereditary Breast And Ovarian Cancer Syndrome. To our knowledge, no experimental evidence demonstrating an impact on protein function has been reported. Five clinical diagnostic laboratories have submitted clinical-significance assessments for this variant to ClinVar after 2014 without evidence for independent evaluation. All laboratories classified the variant as uncertain significance. Based on the evidence outlined above, the variant was classified as uncertain significance.

Sema4
Classification: Uncertain significance for Hereditary cancer-predisposing syndrome. Last evaluated: 2021-09-25. Review status: criteria provided, single submitter. Criteria: Sema4 Curation Guidelines. Collection method: curation. Allele origin: germline.
Comment: The BRCA2 c.4141_4143delAAA (p.K1381del) variant has not been reported in the literature to our knowledge. This in-frame deletion removes a moderately conserved Lysine residue without altering the integrity of reading frame. Functional studies and prediction algorithms are not available for this deletion, and the functional impact of this variant is unknown. It was not observed in the large and broad cohorts of the Genome Aggregation Database. The variant has been reported in ClinVar (Variation ID 141985). The evidence is insufficient to meet ACMG/AMP criteria for classifying the variant as benign or pathogenic. Thus, the clinical significance of this variant is currently uncertain.

Department of Pathology and Laboratory Medicine, Sinai Health System
Classification: Uncertain significance for Malignant tumor of breast. Review status: no assertion criteria provided. Collection method: clinical testing. Allele origin: unknown. Affected: yes. Observed: 1 variant allele. Study: The Canadian Open Genetics Repository (COGR). Not counted in ClinVar's aggregate classification.
Comment: The BRCA2 p.Lys1381del variant was identified in 1 of 182 proband chromosomes (frequency: 0.005) from individuals or families with hereditary breast and ovarian cancer (Bosdet 2013). However, this study found that this genome position reproducibly generated false-positive results in all downsampling experiments and was excluded from the analysis (Bosdet 2013). They found the variant flanks a true indel c.4146_4148delAGA (Bosdet 2013). The variant was also identified in dbSNP (ID:rs587782157) with "uncertain significance allele," ClinVar (uncertain significance by GeneDx and Ambry Genetics), Clinvitae, LOVD 3.0 (3x), and UMD-LSDB (2x as uncertain significance). The variant was not identified in Cosmic, MutDB, BIC Database, ARUP Laboratories, or the Zhejiang Colon Cancer database. The variant was not identified in the 1000 Genomes Project, the NHLBI GO Exome Sequencing Project or the Exome Aggregation Consortium (August 8th 2016). This variant is an in-frame deletion resulting in the removal of a lysine (Lys) residue at codon 1381; the impact of this alteration on BRCA2 protein function is not known. The variant occurs outside of the splicing consensus sequence and in silico or computational prediction software programs (SpliceSiteFinder, MaxEntScan, NNSPLICE, GeneSplicer, HumanSpliceFinder) do not predict a difference in splicing. In summary, based on the above information the clinical significance of this variant cannot be determined with certainty at this time. This variant is classified as a variant of uncertain significance.

Literature cited by the submitters: PubMed 25085752 (cited by Myriad Genetics, Inc.); PubMed 31131967 (cited by 4 submitters); PubMed 31853058 (cited by Color Diagnostics, LLC DBA Color Health); PubMed 38398132 (cited by Quest Diagnostics Nichols Institute San Juan Capistrano); PubMed 24094589 (cited by Women's Health and Genetics/Laboratory Corporation of America, LabCorp); PubMed 31112341 (cited by Women's Health and Genetics/Laboratory Corporation of America, LabCorp); PubMed 31294896 (cited by Women's Health and Genetics/Laboratory Corporation of America, LabCorp).

NM_000059.4(BRCA2):c.4141_4143del (p.Lys1381del)

Gene: BRCA2 (BRCA2 DNA repair associated; plus strand). Cytogenetic location: 13q13.1.
Variant type: Deletion.
Coding change: c.4141_4143del on transcript NM_000059.4 (MANE Select); coding-DNA positions 4141 to 4143, 3 bases deleted (AAA; older notation c.4141_4143delAAA).
Protein change: p.Lys1381del; deletes lysine 1381.
Molecular consequence: inframe deletion.
Genome position (GRCh38, 1-based): chr13:32,338,496-32,338,498, AAA deleted. VCF-style (leftmost placement, unchanged base first): chr13-32338495-TAAA-T. GRCh37 (hg19) VCF-style: chr13-32912632-TAAA-T.
Other names: c.4141_4143delAAA (NM_000059.3); short protein forms K1381del.
Identifiers: ClinVar variation 141985 (VCV000141985.34), dbSNP rs587782157, ClinGen allele CA019606.